The following is an entry in ClinVar:

ClinVar aggregate classification (germline): Uncertain significance. Review status: criteria provided, multiple submitters, no conflicts (2 of 4 stars). 2 submissions from 2 submitters: Uncertain significance (2). Last evaluated 2025-12-01.

Conditions:
Cardiovascular phenotype. Identifiers: MedGen CN230736.

Submissions (2):

Women's Health and Genetics/Laboratory Corporation of America, LabCorp
Classification: Uncertain significance. Last evaluated: 2025-12-01. Review status: criteria provided, single submitter. Criteria: LabCorp Variant Classification Summary - May 2015. Collection method: clinical testing. Allele origin: germline.
Comment: Variant summary: LDB3 c.1097C>T (p.Ser366Phe) results in a non-conservative amino acid change in the encoded protein sequence. Algorithms developed to predict the effect of missense changes on protein structure and function are either unavailable or do not agree on the potential impact of this missense change. The variant was absent in 247008 control chromosomes. The available data on variant occurrences in the general population are insufficient to allow any conclusion about variant significance. To our knowledge, no occurrence of c.1097C>T in individuals affected with LDB3-related conditions and no experimental evidence demonstrating its impact on protein function have been reported. ClinVar contains an entry for this variant (Variation ID: 1790946). Based on the evidence outlined above, the variant was classified as uncertain significance.

Ambry Genetics
Classification: Uncertain significance for Cardiovascular phenotype. Last evaluated: 2021-11-22. Review status: criteria provided, single submitter. Criteria: Ambry Variant Classification Scheme 2023. Collection method: clinical testing. Allele origin: germline.
Comment: The p.S366F variant (also known as c.1097C>T), located in coding exon 8 of the LDB3 gene, results from a C to T substitution at nucleotide position 1097. The serine at codon 366 is replaced by phenylalanine, an amino acid with highly dissimilar properties. This amino acid position is conserved. In addition, the in silico prediction for this alteration is inconclusive. Since supporting evidence is limited at this time, the clinical significance of this alteration remains unclear.

NM_007078.3(LDB3):c.1097C>T (p.Ser366Phe)

Gene: LDB3 (LIM domain binding 3; plus strand). Cytogenetic location: 10q23.2.
Variant type: single nucleotide variant.
Coding change: c.1097C>T on transcript NM_007078.3 (MANE Select); coding-DNA position 1097, C replaced by T.
Protein change: p.Ser366Phe; replaces serine 366 with phenylalanine.
Molecular consequence: missense variant.
Genome position (GRCh38, 1-based): chr10:86,709,916, C>T. VCF-style: chr10-86709916-C-T. GRCh37 (hg19) VCF-style: chr10-88469673-C-T.
Other names: c.767C>T, p.Ser256Phe (NM_001080114.2); c.1112C>T, p.Ser371Phe (NM_001171610.2); c.908C>T, p.Ser303Phe (NM_001368064.1, NM_001368065.1); c.956C>T, p.Ser319Phe (NM_001368066.1); short protein forms S319F, S371F, S256F, S303F, S366F.
Identifiers: ClinVar variation 1790946 (VCV001790946.3), dbSNP rs2492776801, ClinGen allele CA377448230.